The following is an entry in ClinVar:

ClinVar aggregate classification (germline): Uncertain significance (1 of 4 stars; one submission).

Submission:

Labcorp Genetics (formerly Invitae), Labcorp
Classification: Uncertain significance. Last evaluated: 2021-03-21. Review status: criteria provided, single submitter. Criteria: Invitae Variant Classification Sherloc (09022015). Collection method: clinical testing. Allele origin: germline.
Comment: In summary, the available evidence is currently insufficient to determine the role of this variant in disease. Therefore, it has been classified as a Variant of Uncertain Significance. Algorithms developed to predict the effect of missense changes on protein structure and function (SIFT, PolyPhen-2, Align-GVGD) all suggest that this variant is likely to be tolerated, but these predictions have not been confirmed by published functional studies and their clinical significance is uncertain. This variant has not been reported in the literature in individuals with SCN3A-related conditions. This variant is not present in population databases (ExAC no frequency). This sequence change replaces leucine with proline at codon 538 of the SCN3A protein (p.Leu538Pro). The leucine residue is moderately conserved and there is a moderate physicochemical difference between leucine and proline.

NM_006922.4(SCN3A):c.1613T>C (p.Leu538Pro)

Gene: SCN3A (sodium voltage-gated channel alpha subunit 3; minus strand). Cytogenetic location: 2q24.3.
Variant type: single nucleotide variant.
Coding change: c.1613T>C on transcript NM_006922.4 (MANE Select); coding-DNA position 1613, T replaced by C.
Protein change: p.Leu538Pro; replaces leucine 538 with proline.
Molecular consequence: missense variant.
Genome position (GRCh38, 1-based): chr2:165,146,797, A>G on the plus strand (T>C on the coding strand, the complement: SCN3A is on the minus strand). VCF-style: chr2-165146797-A-G. GRCh37 (hg19) VCF-style: chr2-166003307-A-G.
Other names: c.1613T>C, p.Leu538Pro (NM_001081676.2, NM_001081677.2); short protein forms L538P.
Identifiers: ClinVar variation 1518057 (VCV001518057.8), dbSNP rs2105833458, ClinGen allele CA349236363.